The following is an entry in ClinVar:

NM_007294.4(BRCA1):c.1137T>G (p.Ile379Met)

Gene: BRCA1 (BRCA1 DNA repair associated; minus strand). Cytogenetic location: 17q21.31.
Variant type: single nucleotide variant.
Coding change: c.1137T>G on transcript NM_007294.4 (MANE Select); coding-DNA position 1137, T replaced by G.
Protein change: p.Ile379Met; replaces isoleucine 379 with methionine.
Molecular consequence: missense variant. On other transcripts: intron variant (137).
Genome position (GRCh38, 1-based): chr17:43,094,394, A>C on the plus strand (T>G on the coding strand, the complement: BRCA1 is on the minus strand). VCF-style: chr17-43094394-A-C. GRCh37 (hg19) VCF-style: chr17-41246411-A-C.
Other names: p.I379M:ATT>ATG; c.924T>G, p.Ile308Met (NM_001407571.1, NM_001407853.1, NM_001407894.1 and 9 more transcripts); c.1137T>G, p.Ile379Met (NM_001407581.1, NM_001407582.1, NM_001407583.1 and 30 more transcripts); c.1134T>G, p.Ile378Met (NM_001407587.1, NM_001407590.1, NM_001407591.1 and 22 more transcripts); c.1128T>G, p.Ile376Met (NM_001407646.1, NM_001407647.1); c.1014T>G, p.Ile338Met (NM_001407648.1, NM_001407664.1, NM_001407665.1 and 19 more transcripts); c.1056T>G, p.Ile352Met (NM_001407661.1, NM_001407662.1, NM_001407659.1 and 1 more transcripts); c.1059T>G, p.Ile353Met (NM_001407663.1, NM_001407653.1, NM_001407654.1 and 4 more transcripts); and 41 more; short protein forms I379M, I332M, I291M, I309M, I337M, I352M, I353M, I267M.
Identifiers: ClinVar variation 54143 (VCV000054143.92), dbSNP rs56128296, ClinGen allele CA000758.
Genomic context (GRCh38, chr17:43,094,394, plus strand): 5'-ATGTGAGTCATCAGAACCTAACAGTTCATCACTTCTGGAAAACCACTCATTAACTTTCTG[A>C]ATGCTGCTATTTAGTGTTATCCAAGGAACATCTTCAGTATCTCTAGGATTCTCTGAGCAT-3'
Protein context (NP_009225.1, residues 369-389): DVPWITLNSS[Ile379Met]QKVNEWFSRS

ClinVar aggregate classification (germline): Benign/Likely benign. Review status: criteria provided, multiple submitters, no conflicts (2 of 4 stars). 31 submissions from 31 submitters: Benign (14); Likely benign (7). 10 of the submissions do not count toward it. Last evaluated 2026-06-01.

Conditions:
Inherited breast cancer and ovarian cancer.
BRCA1-related cancer predisposition. Identifiers: MedGen CN377757, MONDO:0700268.
BRCA1-related disorder. Also called: BRCA1-related condition.
Fanconi anemia, complementation group S (FANCS). Identifiers: MedGen C4554406, MONDO:0054748, OMIM 617883.
Pancreatic cancer, susceptibility to, 4. Identifiers: Orphanet 1333, MedGen C3280442, MONDO:0013685, OMIM 614320.
Breast-ovarian cancer, familial, susceptibility to, 1 (BROVCA1). Also called: BRCA1 Hereditary Breast and Ovarian Cancer; OVARIAN CANCER, SUSCEPTIBILITY TO. Identifiers: Orphanet 145, MedGen C2676676, MONDO:0011450, OMIM 604370. Disease mechanism: loss of function.
Familial cancer of breast. Also called: BREAST CANCER, FAMILIAL; hereditary breast carcinoma; Hereditary breast cancer. Identifiers: Orphanet 227535, MedGen C0346153, MONDO:0016419, OMIM 114480. Disease mechanism: loss of function.
Hereditary cancer-predisposing syndrome. Also called: Hereditary Cancer Syndrome; Tumor predisposition; Neoplastic Syndromes, Hereditary; Hereditary neoplastic syndrome. Identifiers: Orphanet 140162, MedGen C0027672, MeSH D009386, MONDO:0015356.
Breast and/or ovarian cancer. Identifiers: MedGen CN221562.
Breast neoplasm. Also called: Breast Neoplasms; Neoplasm of the breast; Neoplasm of breast; Breast tumor. Identifiers: MedGen C1458155, MeSH D001943, MONDO:0021100, HP:0100013. Disease mechanism: gain of function.
Hereditary breast ovarian cancer syndrome. Also called: Breast and ovarian cancer; BRCA1- and BRCA2-Associated Hereditary Breast and Ovarian Cancer; Hereditary breast and ovarian cancer; Hereditary breast and ovarian cancer syndrome (HBOC); Hereditary breast and ovarian cancer syndrome; Hereditary breast and/or ovarian cancer syndrome. Identifiers: Orphanet 145, MedGen C0677776, MeSH D061325, MONDO:0003582. Disease mechanism: loss of function.
Malignant tumor of breast. Also called: Malignant breast neoplasm; Cancer breast. Identifiers: MedGen C0006142, MONDO:0007254. Disease mechanism: loss of function.

Allele frequency attached by ClinVar (database versions not stated): gnomAD exomes 0.00015 and 0.00041; ExAC 0.00044; gnomAD 0.00147 and 0.00158; TOPMed 0.00174; 1000 Genomes Project 30x 0.00265; ESP Exome Variant Server 0.00215; 1000 Genomes Project 0.00260.
gnomAD v4.1: 449 of 1,614,162 alleles (0.028%); highest among the groups gnomAD compares: African/African-American, 0.54%; 2 homozygotes.

Submissions 1 to 21 of 31:

Cambridge Genomics Laboratory, East Genomic Laboratory Hub, NHS Genomic Medicine Service
Classification: Likely benign for Inherited breast cancer and ovarian cancer. Last evaluated: 2026-06-01. Review status: criteria provided, single submitter. Criteria: ACGS Best Practice Guidelines for Variant Classification in Rare Disease 2020. Collection method: clinical testing. Allele origin: germline. Affected: yes.
Comment: BS3_Moderate,BS1_Strong

Labcorp Genetics (formerly Invitae), Labcorp
Classification: Benign for Hereditary breast ovarian cancer syndrome. Last evaluated: 2026-02-02. Review status: criteria provided, single submitter. Criteria: Invitae Variant Classification Sherloc (09022015). Collection method: clinical testing. Allele origin: germline.

ARUP Laboratories, Molecular Genetics and Genomics, ARUP Laboratories
Classification: Benign. Last evaluated: 2025-03-24. Review status: criteria provided, single submitter. Criteria: ARUP Molecular Germline Variant Investigation Process 2024. Collection method: clinical testing. Allele origin: germline.

Center for Genomic Medicine, Rigshospitalet, Copenhagen University Hospital
Classification: Benign. Last evaluated: 2025-03-04. Review status: criteria provided, single submitter. Criteria: ACMG Guidelines, 2015. Collection method: clinical testing. Allele origin: germline.

CeGaT Center for Human Genetics Tuebingen
Classification: Likely benign. Last evaluated: 2025-03-01. Review status: criteria provided, single submitter. Criteria: CeGaT Center For Human Genetics Tuebingen Variant Classification Criteria Version 2. Collection method: clinical testing. Allele origin: germline. Affected: yes. Observed: 4 variant alleles.
Comment: BRCA1: BS3:Supporting, BS1

Blueprint Genetics
Classification: Likely benign. Last evaluated: 2024-11-07. Review status: criteria provided, single submitter. Criteria: ACMG Guidelines, 2015. Collection method: clinical testing. Allele origin: germline.

All of Us Research Program, National Institutes of Health
Classification: Benign for BRCA1-related cancer predisposition. Last evaluated: 2024-09-11. Review status: criteria provided, single submitter. Criteria: ACMG Guidelines, 2015. Collection method: clinical testing. Allele origin: germline. Inheritance: Autosomal dominant inheritance. Observed: 132 variant alleles, 131 heterozygotes, 1 homozygote.
Comment: This study involves interpretation of variants in research participants for the purpose of population health screening. Participant phenotype was not available at the time of variant classification. Additional details can be found in publication PMID: 35346344, PMCID: PMC8962531

CHEO Genetics Diagnostic Laboratory, Children's Hospital of Eastern Ontario
Classification: Likely benign for Breast and/or ovarian cancer. Last evaluated: 2023-03-03. Review status: criteria provided, single submitter. Criteria: ACMG Guidelines, 2015. Collection method: clinical testing. Allele origin: germline.

Institute for Biomarker Research, Medical Diagnostic Laboratories, L.L.C.
Classification: Benign for Hereditary breast ovarian cancer syndrome. Last evaluated: 2022-11-15. Review status: criteria provided, single submitter. Criteria: ACMG Guidelines, 2015. Collection method: clinical testing. Allele origin: germline.

Fulgent Genetics
Classification: Likely benign for Familial cancer of breast; Breast-ovarian cancer, familial, susceptibility to, 1; Pancreatic cancer, susceptibility to, 4; Fanconi anemia, complementation group S. Last evaluated: 2022-03-10. Review status: criteria provided, single submitter. Criteria: ACMG Guidelines, 2015. Collection method: clinical testing. Allele origin: unknown.

Sema4
Classification: Benign for Hereditary cancer-predisposing syndrome. Last evaluated: 2020-07-02. Review status: criteria provided, single submitter. Criteria: Sema4 Curation Guidelines. Collection method: curation. Allele origin: germline.

Genetic Services Laboratory, University of Chicago
Classification: Benign. Last evaluated: 2019-06-24. Review status: criteria provided, single submitter. Criteria: ACMG Guidelines, 2015. Collection method: clinical testing. Allele origin: germline. Affected: no.

Baylor Genetics
Classification: Benign for Familial cancer of breast. Last evaluated: 2017-02-23. Review status: criteria provided, single submitter. Criteria: ACMG Guidelines, 2015. Collection method: clinical testing. Allele origin: germline. Inheritance: Autosomal dominant inheritance. Affected: no.

Color Diagnostics, LLC DBA Color Health
Classification: Benign for Hereditary cancer-predisposing syndrome. Last evaluated: 2015-10-09. Review status: criteria provided, single submitter. Criteria: ACMG Guidelines, 2015. Collection method: clinical testing. Allele origin: germline.

Ambry Genetics
Classification: Benign for Hereditary cancer-predisposing syndrome. Last evaluated: 2014-11-18. Review status: criteria provided, single submitter. Criteria: Ambry Variant Classification Scheme 2023. Collection method: clinical testing. Allele origin: germline.

Molecular Genetics Laboratory, University of Michigan
Classification: Benign for Breast-ovarian cancer, familial, susceptibility to, 1. Last evaluated: 2014-11-03. Review status: criteria provided, single submitter. Criteria: ACMG Guidelines, 2015. Collection method: clinical testing. Allele origin: germline. Affected: yes.

Pathway Genomics
Classification: Likely benign for Breast-ovarian cancer, familial 1. Last evaluated: 2014-10-30. Review status: criteria provided, single submitter. Criteria: ACMG Guidelines, 2015. Collection method: clinical testing. Allele origin: germline.

Eurofins Ntd Llc (ga)
Classification: Benign. Last evaluated: 2014-08-07. Review status: criteria provided, single submitter. Criteria: EGL Classification Definitions 2015. Collection method: clinical testing. Allele origin: germline.

Women's Health and Genetics/Laboratory Corporation of America, LabCorp
Classification: Benign for Hereditary breast ovarian cancer syndrome. Last evaluated: 2014-02-14. Review status: criteria provided, single submitter. Criteria: LabCorp Variant Classification Summary - May 2015. Collection method: clinical testing. Allele origin: germline.

GeneDx
Classification: Benign. Last evaluated: 2014-01-24. Review status: criteria provided, single submitter. Criteria: GeneDx Variant Classification (06012015). Collection method: clinical testing. Allele origin: germline. Affected: yes.
Comment: This variant is considered likely benign or benign based on one or more of the following criteria: it is a conservative change, it occurs at a poorly conserved position in the protein, it is predicted to be benign by multiple in silico algorithms, and/or has population frequency not consistent with disease.

Breakthrough Genomics
Classification: Likely benign. Review status: criteria provided, single submitter. Criteria: ACMG Guidelines, 2015. Collection method: not provided. Allele origin: germline. Inheritance: Autosomal dominant inheritance. Affected: yes.